The following is an entry in ClinVar:

NM_014249.4(NR2E3):c.1084C>G (p.Pro362Ala)

Gene: NR2E3 (nuclear receptor subfamily 2 group E member 3; plus strand). Cytogenetic location: 15q23.
Variant type: single nucleotide variant.
Coding change: c.1084C>G on transcript NM_014249.4 (MANE Select); coding-DNA position 1084, C replaced by G.
Protein change: p.Pro362Ala; replaces proline 362 with alanine.
Molecular consequence: missense variant.
Genome position (GRCh38, 1-based): chr15:71,814,101, C>G. VCF-style: chr15-71814101-C-G. GRCh37 (hg19) VCF-style: chr15-72106442-C-G.
Other names: c.1084C>G, p.Pro362Ala (NM_016346.4); short protein forms P362A.
Identifiers: ClinVar variation 5004341 (VCV005004341.1).
Genomic context (GRCh38, chr15:71,814,101, plus strand): 5'-GTAGAGGCCTTGCAGGACCAGTCCCAAGTGATGCTGAGCCAGCACAGCAAGGCCCACCAC[C>G]CCAGCCAGCCCGTGAGGTGACCTGAGCATGCGCCCACCCACTCATCTGTCCCTGACCTCT-3'
Protein context (NP_055064.1, residues 352-372): MLSQHSKAHH[Pro362Ala]SQPVRFGKLL

ClinVar aggregate classification (germline): Uncertain significance (1 of 4 stars; one submission).

Conditions:
ENHANCED S-CONE SYNDROME 1 (ESCS1). Also called: RETINOSCHISIS WITH EARLY HEMERALOPIA; FAVRE HYALOIDEORETINAL DEGENERATION. Identifiers: MedGen CN380299, OMIM 268100.

Submission:

Myriad Genetics, Inc.
Classification: Uncertain significance for ENHANCED S-CONE SYNDROME 1. Last evaluated: 2025-12-18. Review status: criteria provided, single submitter. Criteria: Myriad Autosomal Dominant, Autosomal Recessive and X-Linked Classification Criteria (2023). Collection method: clinical testing. Allele origin: unknown.
Comment: NM_014249.2(NR2E3):c.1084C>G(P362A) is a missense variant classified as a variant of uncertain significance in the context of enhanced S-cone syndrome. P362A has not been observed in cases with relevant disease. Relevant functional assessments of this variant are not available in the literature. P362A has not been observed in referenced population frequency databases. In summary, there is insufficient evidence to classify NM_014249.2(NR2E3):c.1084C>G(P362A) as pathogenic or benign. Please note: this variant was assessed in the context of healthy population screening.